The following is an entry in ClinVar:

ClinVar aggregate classification (germline): Likely benign (0 of 4 stars; one submission).

Conditions:
FOCAD-related disorder. Also called: FOCAD-related condition.

Submission:

PreventionGenetics, part of Exact Sciences
Classification: Likely benign for FOCAD-related condition. Last evaluated: 2019-06-27. Review status: no assertion criteria provided. Collection method: clinical testing. Allele origin: germline.
Comment: This variant is classified as likely benign based on ACMG/AMP sequence variant interpretation guidelines (Richards et al. 2015 PMID: 25741868, with internal and published modifications).

NM_001375567.1(FOCAD):c.4729-10_4729-5dup

Gene: FOCAD (focadhesin; plus strand). Cytogenetic location: 9p21.3.
Variant type: Duplication.
Coding change: c.4729-10_4729-5dup on transcript NM_001375567.1 (MANE Select); 10 bases into the intron before coding-DNA position 4729 through 5 bases into the intron before coding-DNA position 4729, 6 bases duplicated (TTTTTT; older notation c.4729-10_4729-5dupTTTTTT).
Molecular consequence: intron variant.
Genome position (GRCh38, 1-based): chr9:20,986,278-20,986,283, TTTTTT duplicated; duplicating any 6 consecutive bases within chr9:20,986,267-20,986,283 gives the same sequence; the c. name uses the placement nearest the transcript's 3' end. VCF-style (leftmost placement, unchanged base first): chr9-20986266-A-ATTTTTT. GRCh37 (hg19) VCF-style: chr9-20986265-A-ATTTTTT.
Other names: c.4729-10_4729-5dup (NM_017794.5); c.4624-10_4624-5dup (NM_001375568.1, NM_001375570.1).
Identifiers: ClinVar variation 3042043 (VCV003042043.2), dbSNP rs545976303, ClinGen allele CA862073094.
Genomic context (GRCh38, chr9:20,986,266, plus strand): 5'-TGTTTTGCCCTTGCCCTGAAATTCTGTAGCTACTTCAGTTAATTTAATAGTAACTAAACA[A>ATTTTTT]TTTTTTTTTTTTTTTTTGCAGAGCAACATAGAAAAAGCTGCCTTTGTCAAACTGTACTTA-3'